The following is an entry in ClinVar:

NM_001131034.4(RNF212):c.247-2703_247-2702delinsATGGCTGGCTCCAGCCTGGGCAG

Gene: RNF212 (ring finger protein 212; minus strand). Cytogenetic location: 4p16.3.
Variant type: Indel.
Coding change: c.247-2703_247-2702delinsATGGCTGGCTCCAGCCTGGGCAG on transcript NM_001131034.4 (MANE Select); 2703 bases into the intron before coding-DNA position 247 through 2702 bases into the intron before coding-DNA position 247, GT replaced by ATGGCTGGCTCCAGCCTGGGCAG.
Molecular consequence: intron variant. On other transcripts: inframe indel (1).
Genome position (GRCh38, 1-based): chr4:1,093,540-1,093,541, AC replaced by CTGCCCAGGCTGGAGCCAGCCAT on the plus strand (GT replaced by ATGGCTGGCTCCAGCCTGGGCAG on the coding strand, the reverse complement: RNF212 is on the minus strand). VCF-style: chr4-1093540-AC-CTGCCCAGGCTGGAGCCAGCCAT. GRCh37 (hg19) VCF-style: chr4-1087328-AC-CTGCCCAGGCTGGAGCCAGCCAT.
Other names: c.720_721delinsATGGCTGGCTCCAGCCTGGGCAG, p.Ser241delinsTrpLeuAlaProAlaTrpAlaAla (NM_001193318.3); c.247-2703_247-2702delinsATGGCTGGCTCCAGCCTGGGCAG (NM_001366918.1, NM_001366919.1, NM_194439.5).
Identifiers: ClinVar variation 4884135 (VCV004884135.2).

ClinVar aggregate classification (germline): Uncertain significance (1 of 4 stars; one submission).

Submission:

Dasa
Classification: Uncertain significance. Last evaluated: 2025-08-12. Review status: criteria provided, single submitter. Criteria: DASA Assertion Criteria. Collection method: clinical testing. Allele origin: germline.
Comment: NM_001193318.3(RNF212):c.720_721delinsATGGCTGGCTCCAGCCTGGGCAG (p.Ser241delinsTrpLeuAlaProAlaTrpAlaAla) is an in-frame insertion/deletion-insertion predicted to alter the protein sequence without shifting the reading frame. This variant is absent from population databases. The currently available literature and clinical evidence are not sufficient to establish a definitive association between this variant and the reported condition. Therefore, this variant is classified as a variant of uncertain significance.